The following is an entry in ClinVar:

ClinVar aggregate classification (germline): Uncertain significance (1 of 4 stars; one submission).

Conditions:
Encephalopathy, acute, infection-induced (herpes-specific), susceptibility to, 1. Also called: Herpes simplex encephalitis, susceptibility to, 1. Identifiers: Orphanet 1930, MedGen C2750180, MONDO:0024563, OMIM 610551.

gnomAD v4.1: 72 of 1,613,764 alleles (0.0045%); highest among the groups gnomAD compares: Non-Finnish European, 0.006%; no homozygotes.

Submission:

Labcorp Genetics (formerly Invitae), Labcorp
Classification: Uncertain significance for Encephalopathy, acute, infection-induced (herpes-specific), susceptibility to, 1. Last evaluated: 2022-12-18. Review status: criteria provided, single submitter. Criteria: Invitae Variant Classification Sherloc (09022015). Collection method: clinical testing. Allele origin: germline.
Comment: This sequence change replaces phenylalanine, which is neutral and non-polar, with leucine, which is neutral and non-polar, at codon 851 of the TLR3 protein (p.Phe851Leu). This variant is present in population databases (rs73873710, gnomAD 0.007%). This variant has not been reported in the literature in individuals affected with TLR3-related conditions. ClinVar contains an entry for this variant (Variation ID: 1391519). Algorithms developed to predict the effect of missense changes on protein structure and function are either unavailable or do not agree on the potential impact of this missense change (SIFT: "Deleterious"; PolyPhen-2: "Probably Damaging"; Align-GVGD: "Class C15"). In summary, the available evidence is currently insufficient to determine the role of this variant in disease. Therefore, it has been classified as a Variant of Uncertain Significance.

NM_003265.3(TLR3):c.2553C>G (p.Phe851Leu)

Gene: TLR3 (toll like receptor 3; plus strand). Cytogenetic location: 4q35.1.
Variant type: single nucleotide variant.
Coding change: c.2553C>G on transcript NM_003265.3 (MANE Select); coding-DNA position 2553, C replaced by G.
Protein change: p.Phe851Leu; replaces phenylalanine 851 with leucine.
Molecular consequence: missense variant.
Genome position (GRCh38, 1-based): chr4:186,084,711, C>G. VCF-style: chr4-186084711-C-G. GRCh37 (hg19) VCF-style: chr4-187005865-C-G.
Other names: short protein forms F851L.
Identifiers: ClinVar variation 1391519 (VCV001391519.8), dbSNP rs73873710, ClinGen allele CA3161606.